The following is an entry in ClinVar:

NM_001306144.3(MTMR1):c.66G>C (p.Pro22=)

Gene: MTMR1 (myotubularin related protein 1; plus strand). Cytogenetic location: Xq28.
Variant type: single nucleotide variant.
Coding change: c.66G>C on transcript NM_001306144.3 (MANE Select); coding-DNA position 66, G replaced by C.
Protein change: p.Pro22=; no amino-acid change (proline 22 retained).
Molecular consequence: synonymous variant. On other transcripts: non-coding transcript variant (1), intron variant (4).
Genome position (GRCh38, 1-based): chrX:150,693,596, G>C. VCF-style: chrX-150693596-G-C. GRCh37 (hg19) VCF-style: chrX-149862069-G-C.
Other names: c.66G>C, p.Pro22= (NM_001306145.2, NM_001353990.2, NM_003828.5); c.-212+527G>C (NM_001353992.1); c.-161+527G>C (NM_001353991.1); c.-188+527G>C (NM_001353994.1); c.-137+527G>C (NM_001353993.1).
Identifiers: ClinVar variation 2661635 (VCV002661635.24), dbSNP rs1295395837, ClinGen allele CA518859708.

ClinVar aggregate classification (germline): Likely benign (1 of 4 stars; one submission).

Submission:

CeGaT Center for Human Genetics Tuebingen
Classification: Likely benign. Last evaluated: 2022-09-01. Review status: criteria provided, single submitter. Criteria: CeGaT Center For Human Genetics Tuebingen Variant Classification Criteria Version 2. Collection method: clinical testing. Allele origin: germline. Affected: yes. Observed: 1 variant allele.
Comment: MTMR1: PM2:Supporting, BP4, BP7